The following is an entry in ClinVar:

ClinVar aggregate classification (germline): Likely benign. Review status: reviewed by expert panel (3 of 4 stars). 5 submissions from 5 submitters: Likely benign (1). 4 of the submissions do not count toward it. Last evaluated 2017-06-29.

Conditions:
Hereditary cancer-predisposing syndrome. Also called: Tumor predisposition; Neoplastic Syndromes, Hereditary; Hereditary neoplastic syndrome; Hereditary Cancer Syndrome. Identifiers: Orphanet 140162, MedGen C0027672, MeSH D009386, MONDO:0015356.
Hereditary breast ovarian cancer syndrome. Also called: Hereditary breast and ovarian cancer syndrome; Hereditary breast and ovarian cancer syndrome (HBOC); Hereditary breast and ovarian cancer; Breast and ovarian cancer; BRCA1- and BRCA2-Associated Hereditary Breast and Ovarian Cancer; Hereditary breast and/or ovarian cancer syndrome. Identifiers: Orphanet 145, MedGen C0677776, MeSH D061325, MONDO:0003582. Disease mechanism: loss of function.
Breast-ovarian cancer, familial, susceptibility to, 2 (BROVCA2). Also called: BRCA2 Hereditary Breast and Ovarian Cancer. Identifiers: Orphanet 145, MedGen C2675520, MONDO:0012933, OMIM 612555. Disease mechanism: loss of function.

gnomAD v4.1: 2 of 1,614,028 alleles (0.00012%); highest among the groups gnomAD compares: Non-Finnish European, 0.00017%; no homozygotes.

Submissions (5):

Evidence-based Network for the Interpretation of Germline Mutant Alleles (ENIGMA)
Classification: Likely benign for Breast-ovarian cancer, familial, susceptibility to, 2. Last evaluated: 2017-06-29. Review status: reviewed by expert panel. Criteria: ENIGMA BRCA1/2 Classification Criteria (2017-06-29). Collection method: curation. Allele origin: germline.
Comment: Synonymous substitution variant, with low bioinformatic likelihood to result in a splicing aberration (Splicing prior probability 0.02).

Labcorp Genetics (formerly Invitae), Labcorp
Classification: Likely benign for Hereditary breast ovarian cancer syndrome. Last evaluated: 2023-08-06. Review status: criteria provided, single submitter. Criteria: Invitae Variant Classification Sherloc (09022015). Collection method: clinical testing. Allele origin: germline. Not counted in ClinVar's aggregate classification.

Blueprint Genetics
Classification: Likely benign. Last evaluated: 2022-11-09. Review status: criteria provided, single submitter. Criteria: ACMG Guidelines, 2015. Collection method: clinical testing. Allele origin: germline. Not counted in ClinVar's aggregate classification.

GeneDx
Classification: Likely benign. Last evaluated: 2019-07-25. Review status: criteria provided, single submitter. Criteria: GeneDx Variant Classification Process June 2021. Collection method: clinical testing. Allele origin: germline. Affected: yes. Not counted in ClinVar's aggregate classification.

Ambry Genetics
Classification: Likely benign for Hereditary cancer-predisposing syndrome. Last evaluated: 2014-10-23. Review status: criteria provided, single submitter. Criteria: Ambry Variant Classification Scheme 2023. Collection method: clinical testing. Allele origin: germline. Not counted in ClinVar's aggregate classification.

NM_000059.4(BRCA2):c.5952A>G (p.Lys1984=)

Gene: BRCA2 (BRCA2 DNA repair associated; plus strand). Cytogenetic location: 13q13.1.
Variant type: single nucleotide variant.
Coding change: c.5952A>G on transcript NM_000059.4 (MANE Select); coding-DNA position 5952, A replaced by G.
Protein change: p.Lys1984=; no amino-acid change (lysine 1984 retained).
Molecular consequence: synonymous variant.
Genome position (GRCh38, 1-based): chr13:32,340,307, A>G. VCF-style: chr13-32340307-A-G. GRCh37 (hg19) VCF-style: chr13-32914444-A-G.
Identifiers: ClinVar variation 184859 (VCV000184859.21), dbSNP rs786201742, ClinGen allele CA023407.